The following is an entry in ClinVar:

ClinVar aggregate classification (germline): Conflicting classifications of pathogenicity. Review status: criteria provided, conflicting classifications (1 of 4 stars). 8 submissions from 8 submitters: Pathogenic (2); Likely pathogenic (4); Uncertain significance (1). 1 of the submissions does not count toward it. Last evaluated 2026-09-23.

Conditions:
HARS2-related disorders.
HARS2-related disorder. Also called: HARS2-related condition.
Perrault syndrome 2 (PRLTS2). Identifiers: Orphanet 2855, Orphanet 642976, MedGen C3554105, MONDO:0013972, OMIM 614926.

Allele frequency attached by ClinVar (database versions not stated): ESP Exome Variant Server 0.00015; ExAC 0.00005; gnomAD 0.00009 and 0.00008; TOPMed 0.00009; gnomAD exomes 0.00006.

Submissions (8):

GeneDx
Classification: Likely pathogenic. Last evaluated: 2026-09-23. Review status: criteria provided, single submitter. Criteria: GeneDx Variant Classification Process June 2021. Collection method: clinical testing. Allele origin: germline.
Comment: Not observed at significant frequency in large population cohorts (gnomAD); In silico analysis supports that this missense variant has a deleterious effect on protein structure/function; This variant is associated with the following publications: (PMID: 34406847, 31827252, 37086329, 40796707, 31449985)

PreventionGenetics, part of Exact Sciences
Classification: Likely pathogenic for HARS2-related condition. Last evaluated: 2026-04-09. Review status: criteria provided, single submitter. Criteria: ACMG Guidelines, 2015. Collection method: clinical testing. Allele origin: germline.
Comment: The HARS2 c.448C>T variant is predicted to result in the amino acid substitution p.Arg150Cys. This variant has been reported in the compound heterozygous state with a second potentially causative variant in five individuals from three families with Perrault syndrome or hearing loss (Karstensen et al. 2020. PubMed ID: 31449985; Tollefson et al. 2023. PubMed ID: 37086329). This variant is reported in 0.012% of alleles in individuals of African descent in gnomAD. This variant is interpreted as likely pathogenic.

Mayo Clinic Laboratories, Mayo Clinic
Classification: Likely pathogenic. Last evaluated: 2025-04-08. Review status: criteria provided, single submitter. Criteria: ACMG Guidelines, 2015. Collection method: clinical testing. Allele origin: germline. Observed: 1 variant allele.
Comment: PP1_moderate, PM2_supporting, PM3, PS4_moderate

Women's Health and Genetics/Laboratory Corporation of America, LabCorp
Classification: Likely pathogenic for Perrault syndrome 2. Last evaluated: 2025-03-24. Review status: criteria provided, single submitter. Criteria: LabCorp Variant Classification Summary - May 2015. Collection method: clinical testing. Allele origin: germline.
Comment: Variant summary: HARS2 c.448C>T (p.Arg150Cys) results in a non-conservative amino acid change in the encoded protein sequence. Five of five in-silico tools predict a damaging effect of the variant on protein function. The variant allele was found at a frequency of 5.6e-05 in 251496 control chromosomes. This frequency is not significantly higher than estimated for a pathogenic variant in HARS2 causing Perrault Syndrome 2, allowing no conclusion about variant significance. c.448C>T has been reported in the literature in five individuals affected with Perrault Syndrome 2 or hearing loss (Karstensen_2020, Tollefson_2023). These data indicate that the variant is likely to be associated with disease. To our knowledge, no experimental evidence demonstrating an impact on protein function has been reported. The following publications have been ascertained in the context of this evaluation (PMID: 31449985, 37086329). ClinVar contains an entry for this variant (Variation ID: 214543). Based on the evidence outlined above, the variant was classified as likely pathogenic.

Labcorp Genetics (formerly Invitae), Labcorp
Classification: Pathogenic. Last evaluated: 2024-04-17. Review status: criteria provided, single submitter. Criteria: Invitae Variant Classification Sherloc (09022015). Collection method: clinical testing. Allele origin: germline.
Comment: This sequence change replaces arginine, which is basic and polar, with cysteine, which is neutral and slightly polar, at codon 150 of the HARS2 protein (p.Arg150Cys). This variant is present in population databases (rs140540222, gnomAD 0.008%). This missense change has been observed in individuals with clinical features of Perrault syndrome (PMID: 31449985). It has also been observed to segregate with disease in related individuals. ClinVar contains an entry for this variant (Variation ID: 214543). Advanced modeling of protein sequence and biophysical properties (such as structural, functional, and spatial information, amino acid conservation, physicochemical variation, residue mobility, and thermodynamic stability) performed at Invitae indicates that this missense variant is expected to disrupt HARS2 protein function with a positive predictive value of 80%. For these reasons, this variant has been classified as Pathogenic.

Blueprint Genetics
Classification: Pathogenic for HARS2-related disorders. Last evaluated: 2024-02-08. Review status: criteria provided, single submitter. Criteria: ACMG Guidelines, 2015. Collection method: clinical testing. Allele origin: germline. Affected: yes. Observed: 5 variant alleles.

Laboratory for Molecular Medicine, Mass General Brigham Personalized Medicine
Classification: Uncertain significance. Last evaluated: 2016-05-01. Review status: criteria provided, single submitter. Criteria: LMM Criteria. Collection method: clinical testing. Allele origin: germline. Observed: 2 variant alleles.
Comment: Variant classified as Uncertain Significance - Favor Pathogenic. This variant has been identified in 6/1 21406 total chromosomes across all populations by the Exome Aggregation Consorti um (ExAC; dbSNP rs140540222). Although this vari ant has been seen in the general population, its frequency is not high enough to rule out a pathogenic role. Computational prediction tools suggest that the p.A rg150Cys variant may impact the protein, though this information is not predicti ve enough to determine pathogenicity. In summary, while there is some suspicion for a pathogenic role, the clinical significance of the p.Arg150Cys variant is uncertain.

Department of Clinical Genetics, Copenhagen University Hospital, Rigshospitalet
Classification: Likely pathogenic for Perrault syndrome 2. Last evaluated: 2019-05-20. Review status: no assertion criteria provided. Collection method: clinical testing. Allele origin: paternal, maternal. Not counted in ClinVar's aggregate classification.
Comment: Variant detected as compound heterozygous, together with c.172A>G in three siblings (two girls) with progressive sensorineural hearing impairment. Signs of premature ovarian failure were uncertain due to their young age.

Literature cited by the submitters: PubMed 31449985 (cited by 3 submitters); PubMed 31827252 (cited by Mayo Clinic Laboratories, Mayo Clinic); PubMed 37086329 (cited by Mayo Clinic Laboratories, Mayo Clinic and Women's Health and Genetics/Laboratory Corporation of America, LabCorp).

NM_012208.4(HARS2):c.448C>T (p.Arg150Cys)

Gene: HARS2 (histidyl-tRNA synthetase 2, mitochondrial; plus strand). Cytogenetic location: 5q31.3.
Variant type: single nucleotide variant.
Coding change: c.448C>T on transcript NM_012208.4 (MANE Select); coding-DNA position 448, C replaced by T.
Protein change: p.Arg150Cys; replaces arginine 150 with cysteine.
Molecular consequence: missense variant. On other transcripts: intron variant (1).
Genome position (GRCh38, 1-based): chr5:140,695,556, C>T. VCF-style: chr5-140695556-C-T. GRCh37 (hg19) VCF-style: chr5-140075141-C-T.
Other names: p.R150C:CGT>TGT; c.373C>T, p.Arg125Cys (NM_001278731.2); c.466C>T, p.Arg156Cys (NM_001363535.2); c.238C>T, p.Arg80Cys (NM_001363536.2); c.94-182C>T (NM_001278732.2); short protein forms R150C, R125C, R80C, R156C.
Identifiers: ClinVar variation 214543 (VCV000214543.21), dbSNP rs140540222, ClinGen allele CA323817.
Genomic context (GRCh38, chr5:140,695,556, plus strand): 5'-CATTTATGTGAGGTTCCCTTTGCTCGTTATCTGGCCATGAATAAGGTGAAGAAGATGAAA[C>T]GTTATCATGTTGGAAAGGTGTGGCGGCGAGAGAGCCCAACCATAGTCCAAGGCCGTTATA-3'
Protein context (NP_036340.1, residues 140-160): LAMNKVKKMK[Arg150Cys]YHVGKVWRRE